The following is an entry in ClinVar:

NM_006231.4(POLE):c.4730A>C (p.Glu1577Ala)

Gene: POLE (DNA polymerase epsilon, catalytic subunit; minus strand). Cytogenetic location: 12q24.33.
Variant type: single nucleotide variant.
Coding change: c.4730A>C on transcript NM_006231.4 (MANE Select); coding-DNA position 4730, A replaced by C.
Protein change: p.Glu1577Ala; replaces glutamic acid 1577 with alanine.
Molecular consequence: missense variant.
Genome position (GRCh38, 1-based): chr12:132,642,728, T>G on the plus strand (A>C on the coding strand, the complement: POLE is on the minus strand). VCF-style: chr12-132642728-T-G. GRCh37 (hg19) VCF-style: chr12-133219314-T-G.
Other names: short protein forms E1577A.
Identifiers: ClinVar variation 240537 (VCV000240537.21), dbSNP rs5744948, ClinGen allele CA6892726.
Genomic context (GRCh38, chr12:132,642,728, plus strand): 5'-GCCAGCCTCTTCAGCTCCCAGCTGGACTGAACAGCGATGAGTGTGGGCCCCCGGCGCTCC[T>G]CCTGGGTCAAGGCAAAATGGAAGAAAAGACCTGGGTGGACCCAGCCTCAAAGAAGATGGG-3'
Protein context (NP_006222.2, residues 1567-1587): AIQRFLLAYK[Glu1577Ala]ERRGPTLIAV

ClinVar aggregate classification (germline): Benign/Likely benign. Review status: criteria provided, multiple submitters, no conflicts (2 of 4 stars). 7 submissions from 7 submitters: Benign (1); Likely benign (3). 3 of the submissions do not count toward it. Last evaluated 2026-02-02.

Conditions:
POLE-related disorder. Also called: POLE-related disorders; POLE-related condition.
Hereditary cancer-predisposing syndrome. Also called: Tumor predisposition; Neoplastic Syndromes, Hereditary; Hereditary Cancer Syndrome; Hereditary neoplastic syndrome. Identifiers: Orphanet 140162, MedGen C0027672, MeSH D009386, MONDO:0015356.

Allele frequency attached by ClinVar (database versions not stated): gnomAD exomes 0.00005 and 0.00012; ExAC 0.00012; gnomAD 0.00047 and 0.00049; TOPMed 0.00057; 1000 Genomes Project 0.00060; 1000 Genomes Project 30x 0.00062; ESP Exome Variant Server 0.00085.
gnomAD v4.1: 148 of 1,613,520 alleles (0.0092%); highest among the groups gnomAD compares: African/African-American, 0.19%; no homozygotes.

Submissions (7):

Labcorp Genetics (formerly Invitae), Labcorp
Classification: Likely benign. Last evaluated: 2026-02-02. Review status: criteria provided, single submitter. Criteria: Invitae Variant Classification Sherloc (09022015). Collection method: clinical testing. Allele origin: germline.

Ambry Genetics
Classification: Likely benign for Hereditary cancer-predisposing syndrome. Last evaluated: 2024-12-12. Review status: criteria provided, single submitter. Criteria: Ambry Variant Classification Scheme 2023. Collection method: clinical testing. Allele origin: germline.

GeneDx
Classification: Likely benign. Last evaluated: 2020-12-16. Review status: criteria provided, single submitter. Criteria: GeneDx Variant Classification Process June 2021. Collection method: clinical testing. Allele origin: germline. Affected: yes.
Comment: This variant is associated with the following publications: (PMID: 19966286, 20951805)

Quest Diagnostics Nichols Institute San Juan Capistrano
Classification: Benign. Last evaluated: 2017-03-29. Review status: criteria provided, single submitter. Criteria: Quest Diagnostics criteria. Collection method: clinical testing. Allele origin: germline.

PreventionGenetics, part of Exact Sciences
Classification: Likely benign for POLE-related condition. Last evaluated: 2023-03-30. Review status: no assertion criteria provided. Collection method: clinical testing. Allele origin: germline. Not counted in ClinVar's aggregate classification.
Comment: This variant is classified as likely benign based on ACMG/AMP sequence variant interpretation guidelines (Richards et al. 2015 PMID: 25741868, with internal and published modifications).

True Health Diagnostics
Classification: Uncertain significance for Hereditary cancer-predisposing syndrome. Last evaluated: 2018-04-27. Review status: no assertion criteria provided. Collection method: clinical testing. Allele origin: germline. Not counted in ClinVar's aggregate classification.

Department of Pathology and Laboratory Medicine, Sinai Health System
Classification: Uncertain significance. Review status: no assertion criteria provided. Collection method: clinical testing. Allele origin: unknown. Affected: yes. Study: The Canadian Open Genetics Repository (COGR). Not counted in ClinVar's aggregate classification.
Comment: The POLE p.Glu1577Ala variant was identified in dbSNP (ID: rs5744948) and ClinVar (classified as benign by Quest Diagnostics Nichols Institute San Juan Capistrano, likely benign by Invitae and uncertain significance by GeneDx, Prevention Genetics and True Health Diagnostics), but was not identified in Cosmic. The variant was identified in control databases in 50 of 282236 chromosomes at a frequency of 0.0001772 (Genome Aggregation Database March 6, 2019, v2.1.1). The variant was observed in the following populations: African in 48 of 24740 chromosomes (freq: 0.00194) and Latino in 2 of 35388 chromosomes (freq: 0.000057), but was not observed in the Ashkenazi Jewish, East Asian, European (Finnish), European (non-Finnish), Other, or South Asian populations. The p.Glu1577 residue is conserved in mammals and computational analyses (PolyPhen-2, SIFT, AlignGVGD, BLOSUM, MutationTaster) provide inconsistent predictions regarding the impact to the protein; this information is not very predictive of pathogenicity. The p.Glu1577Ala variant occurs outside of the splicing consensus sequence and in silico or computational prediction software programs (SpliceSiteFinder, MaxEntScan, NNSPLICE, GeneSplicer) do not predict a difference in splicing. A functional study in yeast found no significant effect on DNA polymerase function or mutagenesis with the variant compared to wildtype (Daee_2010_PMID:19966286). In summary, based on the above information the clinical significance of this variant cannot be determined with certainty at this time. This variant is classified as a variant of uncertain significance.

Literature cited by the submitters: PubMed 19966286 (cited by Quest Diagnostics Nichols Institute San Juan Capistrano).